The following is an entry in ClinVar:

ClinVar aggregate classification (germline): Uncertain significance (1 of 4 stars; one submission).

Submission:

Labcorp Genetics (formerly Invitae), Labcorp
Classification: Uncertain significance. Last evaluated: 2025-08-06. Review status: criteria provided, single submitter. Criteria: Invitae Variant Classification Sherloc (09022015). Collection method: clinical testing. Allele origin: germline.
Comment: This sequence change replaces leucine, which is neutral and non-polar, with phenylalanine, which is neutral and non-polar, at codon 1642 of the NALCN protein (p.Leu1642Phe). This variant is present in population databases (no rsID available, gnomAD 0.0009%). This variant has not been reported in the literature in individuals affected with NALCN-related conditions. Invitae Evidence Modeling of protein sequence and biophysical properties (such as structural, functional, and spatial information, amino acid conservation, physicochemical variation, residue mobility, and thermodynamic stability) indicates that this missense variant is not expected to disrupt NALCN protein function with a negative predictive value of 80%. In summary, the available evidence is currently insufficient to determine the role of this variant in disease. Therefore, it has been classified as a Variant of Uncertain Significance.

NM_052867.4(NALCN):c.4924C>T (p.Leu1642Phe)

Genes: NALCN (sodium leak channel, non-selective; minus strand), NALCN-AS1 (NALCN antisense RNA 1; plus strand). Cytogenetic location: 13q32.3.
Variant type: single nucleotide variant.
Coding change: c.4924C>T on transcript NM_052867.4 (MANE Select); coding-DNA position 4924, C replaced by T.
Protein change: p.Leu1642Phe; replaces leucine 1642 with phenylalanine.
Molecular consequence: missense variant. On other transcripts: non-coding transcript variant (1).
Genome position (GRCh38, 1-based): chr13:101,058,038, G>A on the plus strand (C>T on the coding strand, the complement: NALCN is on the minus strand). VCF-style: chr13-101058038-G-A. GRCh37 (hg19) VCF-style: chr13-101710390-G-A.
Other names: c.5011C>T, p.Leu1671Phe (NM_001350748.2); c.4924C>T, p.Leu1642Phe (NM_001350749.2); c.4837C>T, p.Leu1613Phe (NM_001350750.2, NM_001350751.2); short protein forms L1671F, L1613F, L1642F.
Identifiers: ClinVar variation 4741733 (VCV004741733.1).